The following is an entry in ClinVar:

ClinVar aggregate classification (germline): Conflicting classifications of pathogenicity. Review status: criteria provided, conflicting classifications (1 of 4 stars). 3 submissions from 3 submitters: Likely pathogenic (2); Uncertain significance (1). Last evaluated 2024-12-06.

Conditions:
Episodic ataxia type 2 (EA2). Also called: ATAXIA, EPISODIC, WITH NYSTAGMUS; ATAXIA, FAMILIAL PAROXYSMAL; CEREBELLAR ATAXIA, PAROXYSMAL, ACETAZOLAMIDE-RESPONSIVE; CEREBELLOPATHY, HEREDITARY PAROXYSMAL; EPISODIC ATAXIA, NYSTAGMUS-ASSOCIATED; ACETAZOLAMIDE-RESPONSIVE HEREDITARY PAROXYSMAL CEREBELLAR ATAXIA. Identifiers: Orphanet 97, MedGen C1720416, MONDO:0007163, OMIM 108500.
Developmental and epileptic encephalopathy, 42 (DEE42A). Also called: Epileptic encephalopathy, early infantile, 42; DEVELOPMENTAL AND EPILEPTIC ENCEPHALOPATHY 42A; EPILEPTIC ENCEPHALOPATHY, EARLY INFANTILE, 42A. Identifiers: MedGen C4310716, MONDO:0014917, OMIM 617106.
Inborn genetic diseases. Identifiers: MedGen C0950123, MeSH D030342.

gnomAD v4.1: 1 of 1,613,002 alleles (0.000062%); highest among the groups gnomAD compares: Non-Finnish European, 0.000085%; no homozygotes.

Submissions (3):

Ambry Genetics
Classification: Uncertain significance for Inborn genetic diseases. Last evaluated: 2024-12-06. Review status: criteria provided, single submitter. Criteria: Ambry Variant Classification Scheme 2023. Collection method: clinical testing. Allele origin: germline.
Comment: The c.6193-2A>C intronic variant results from an A to C substitution two nucleotides before coding exon 43 of the CACNA1A gene. Alterations that disrupt the canonical splice site are expected to result in aberrant splicing. The exact functional effect of this alteration is unknown. This variant was not reported in population-based cohorts in the Genome Aggregation Database (gnomAD). This variant was reported in individual(s) with features consistent with CACNA1A-related neurologic disorders (external communication, 2024). This nucleotide position is well conserved in available vertebrate species. In silico splice site analysis predicts that this alteration will weaken the native splice acceptor site. Based on insufficient or conflicting evidence, the clinical significance of this alteration remains unclear.

GeneDx
Classification: Likely pathogenic. Last evaluated: 2024-03-12. Review status: criteria provided, single submitter. Criteria: GeneDx Variant Classification Process June 2021. Collection method: clinical testing. Allele origin: germline. Affected: yes.
Comment: Canonical splice site variant predicted to result in an in-frame loss of the adjacent exon in a gene for which loss of function is a known mechanism of disease; Not observed at significant frequency in large population cohorts (gnomAD); Has not been previously published as pathogenic or benign to our knowledge

Labcorp Genetics (formerly Invitae), Labcorp
Classification: Likely pathogenic for Developmental and epileptic encephalopathy, 42; Episodic ataxia type 2. Last evaluated: 2020-04-01. Review status: criteria provided, single submitter. Criteria: Invitae Variant Classification Sherloc (09022015). Collection method: clinical testing. Allele origin: germline.
Comment: Algorithms developed to predict the effect of sequence changes on RNA splicing suggest that this variant may disrupt the consensus splice site, but this prediction has not been confirmed by published transcriptional studies. This variant is not present in population databases (ExAC no frequency). This variant has not been reported in the literature in individuals with CACNA1A-related conditions. ClinVar contains an entry for this variant (Variation ID: 423943). Donor and acceptor splice site variants typically lead to a loss of protein function (PMID: 16199547), and loss-of-function variants in CACNA1A are known to be pathogenic (PMID: 10371528, 19486177, 25735478, 27250579). In summary, the currently available evidence indicates that the variant is pathogenic, but additional data are needed to prove that conclusively. Therefore, this variant has been classified as Likely Pathogenic. This sequence change affects an acceptor splice site in intron 42 of the CACNA1A gene. It is expected to disrupt RNA splicing and likely results in an absent or disrupted protein product.

Literature cited by the submitters: PubMed 16199547 (cited by Labcorp Genetics (formerly Invitae), Labcorp); PubMed 10371528 (cited by Labcorp Genetics (formerly Invitae), Labcorp); PubMed 19486177 (cited by Labcorp Genetics (formerly Invitae), Labcorp); PubMed 25735478 (cited by Labcorp Genetics (formerly Invitae), Labcorp); PubMed 27250579 (cited by Labcorp Genetics (formerly Invitae), Labcorp).

NM_001127222.2(CACNA1A):c.6190-2A>C

Gene: CACNA1A (calcium voltage-gated channel subunit alpha1 A; minus strand). Cytogenetic location: 19p13.13.
Variant type: single nucleotide variant.
Coding change: c.6190-2A>C on transcript NM_001127222.2 (MANE Select); the canonical splice acceptor site of the intron before coding-DNA position 6190, A replaced by C.
Molecular consequence: splice acceptor variant.
Genome position (GRCh38, 1-based): chr19:13,212,218, T>G on the plus strand (A>C on the coding strand, the complement: CACNA1A is on the minus strand). VCF-style: chr19-13212218-T-G. GRCh37 (hg19) VCF-style: chr19-13323032-T-G.
Other names: c.6193-2A>C (NM_001127221.2); c.6199-2A>C (NM_001174080.2); c.6208-2A>C (NM_000068.4, NM_023035.3).
Identifiers: ClinVar variation 423943 (VCV000423943.11), dbSNP rs1064796709, ClinGen allele CA16620773.